The following is an entry in ClinVar:

NM_001605.3(AARS1):c.1283T>G (p.Ile428Ser)

Gene: AARS1 (alanyl-tRNA synthetase 1; minus strand). Cytogenetic location: 16q22.1.
Variant type: single nucleotide variant.
Coding change: c.1283T>G on transcript NM_001605.3 (MANE Select); coding-DNA position 1283, T replaced by G.
Protein change: p.Ile428Ser; replaces isoleucine 428 with serine.
Molecular consequence: missense variant.
Genome position (GRCh38, 1-based): chr16:70,265,602, A>C on the plus strand (T>G on the coding strand, the complement: AARS1 is on the minus strand). VCF-style: chr16-70265602-A-C. GRCh37 (hg19) VCF-style: chr16-70299505-A-C.
Other names: short protein forms I428S.
Identifiers: ClinVar variation 2190652 (VCV002190652.4), dbSNP rs1238715109, ClinGen allele CA396562069.

ClinVar aggregate classification (germline): Uncertain significance (1 of 4 stars; one submission).

Conditions:
Charcot-Marie-Tooth disease type 2. Also called: Charcot-Marie-Tooth type 2. Identifiers: Orphanet 64746, MedGen C0270914, MONDO:0018993.

Allele frequency attached by ClinVar (database versions not stated): gnomAD exomes below 0.00001.
gnomAD v4.1: 1 of 1,613,972 alleles (0.000062%); highest among the groups gnomAD compares: Non-Finnish European, 0.000085%; no homozygotes.

Submission:

Labcorp Genetics (formerly Invitae), Labcorp
Classification: Uncertain significance for Charcot-Marie-Tooth disease type 2. Last evaluated: 2022-03-15. Review status: criteria provided, single submitter. Criteria: Invitae Variant Classification Sherloc (09022015). Collection method: clinical testing. Allele origin: germline.
Comment: In summary, the available evidence is currently insufficient to determine the role of this variant in disease. Therefore, it has been classified as a Variant of Uncertain Significance. Algorithms developed to predict the effect of missense changes on protein structure and function are either unavailable or do not agree on the potential impact of this missense change (SIFT: "Deleterious"; PolyPhen-2: "Benign"; Align-GVGD: "Class C0"). This variant has not been reported in the literature in individuals affected with AARS-related conditions. This variant is present in population databases (no rsID available, gnomAD 0.0009%). This sequence change replaces isoleucine, which is neutral and non-polar, with serine, which is neutral and polar, at codon 428 of the AARS protein (p.Ile428Ser).